The following is an entry in ClinVar:

ClinVar aggregate classification (germline): Uncertain significance (1 of 4 stars; one submission).

Conditions:
Hereditary cancer-predisposing syndrome. Also called: Tumor predisposition; Hereditary Cancer Syndrome; Neoplastic Syndromes, Hereditary; Hereditary neoplastic syndrome. Identifiers: Orphanet 140162, MedGen C0027672, MeSH D009386, MONDO:0015356.

Allele frequency attached by ClinVar (database versions not stated): gnomAD 0.00001.
gnomAD v4.1: 1 of 1,613,418 alleles (0.000062%); no homozygotes.

Submission:

Ambry Genetics
Classification: Uncertain significance for Hereditary cancer-predisposing syndrome. Last evaluated: 2018-02-23. Review status: criteria provided, single submitter. Criteria: Ambry Variant Classification Scheme 2023. Collection method: clinical testing. Allele origin: germline.
Comment: The p.K913R variant (also known as c.2738A>G), located in coding exon 16 of the DICER1 gene, results from an A to G substitution at nucleotide position 2738. The lysine at codon 913 is replaced by arginine, an amino acid with highly similar properties. This amino acid position is highly conserved through opossum but not in all available vertebrate species. In addition, this alteration is predicted to be tolerated by in silico analysis. Since supporting evidence is limited at this time, the clinical significance of this alteration remains unclear.

NM_177438.3(DICER1):c.2738A>G (p.Lys913Arg)

Gene: DICER1 (dicer 1, ribonuclease III; minus strand). Cytogenetic location: 14q32.13.
Variant type: single nucleotide variant.
Coding change: c.2738A>G on transcript NM_177438.3 (MANE Select); coding-DNA position 2738, A replaced by G.
Protein change: p.Lys913Arg; replaces lysine 913 with arginine.
Molecular consequence: missense variant.
Genome position (GRCh38, 1-based): chr14:95,107,674, T>C on the plus strand (A>G on the coding strand, the complement: DICER1 is on the minus strand). VCF-style: chr14-95107674-T-C. GRCh37 (hg19) VCF-style: chr14-95574011-T-C.
Other names: c.2738A>G, p.Lys913Arg (NM_001195573.1, NM_001271282.3, NM_001291628.2 and 1 more transcripts); short protein forms K913R.
Identifiers: ClinVar variation 821742 (VCV000821742.4), dbSNP rs1060503649, ClinGen allele CA390879549.